The following is an entry in ClinVar:

ClinVar aggregate classification (germline): Pathogenic (1 of 4 stars; one submission).

Submission:

Labcorp Genetics (formerly Invitae), Labcorp
Classification: Pathogenic. Last evaluated: 2022-06-10. Review status: criteria provided, single submitter. Criteria: Invitae Variant Classification Sherloc (09022015). Collection method: clinical testing. Allele origin: germline.
Comment: For these reasons, this variant has been classified as Pathogenic. This premature translational stop signal has been observed in individual(s) with Stargardt disease (PMID: 32619608). This variant is not present in population databases (gnomAD no frequency). This sequence change creates a premature translational stop signal (p.Trp126*) in the ABCA4 gene. It is expected to result in an absent or disrupted protein product. Loss-of-function variants in ABCA4 are known to be pathogenic (PMID: 10958761, 24938718, 25312043, 26780318).

Literature cited by the submitters: PubMed 32619608; PubMed 10958761; PubMed 24938718; PubMed 25312043; PubMed 26780318.

NM_000350.3(ABCA4):c.378G>A (p.Trp126Ter)

Gene: ABCA4 (ATP binding cassette subfamily A member 4; minus strand). Cytogenetic location: 1p22.1.
Variant type: single nucleotide variant.
Coding change: c.378G>A on transcript NM_000350.3 (MANE Select); coding-DNA position 378, G replaced by A.
Protein change: p.Trp126Ter; replaces tryptophan 126 with a stop codon.
Molecular consequence: nonsense.
Genome position (GRCh38, 1-based): chr1:94,108,641, C>T on the plus strand (G>A on the coding strand, the complement: ABCA4 is on the minus strand). VCF-style: chr1-94108641-C-T. GRCh37 (hg19) VCF-style: chr1-94574197-C-T.
Other names: c.378G>A, p.Trp126Ter (NM_001425324.1); short protein forms W126*.
Identifiers: ClinVar variation 2098057 (VCV002098057.4), dbSNP rs2523999461, ClinGen allele CA341293088.